The following is an entry in ClinVar:

ClinVar aggregate classification (germline): Uncertain significance (1 of 4 stars; one submission).

gnomAD v4.1: 2 of 1,614,092 alleles (0.00012%); highest among the groups gnomAD compares: Non-Finnish European, 0.000085%; no homozygotes.

Submission:

Labcorp Genetics (formerly Invitae), Labcorp
Classification: Uncertain significance. Last evaluated: 2024-09-23. Review status: criteria provided, single submitter. Criteria: Invitae Variant Classification Sherloc (09022015). Collection method: clinical testing. Allele origin: germline.
Comment: This sequence change replaces valine, which is neutral and non-polar, with leucine, which is neutral and non-polar, at codon 518 of the KCNV2 protein (p.Val518Leu). This variant is not present in population databases (gnomAD no frequency). This variant has not been reported in the literature in individuals affected with KCNV2-related conditions. ClinVar contains an entry for this variant (Variation ID: 2072718). Invitae Evidence Modeling of protein sequence and biophysical properties (such as structural, functional, and spatial information, amino acid conservation, physicochemical variation, residue mobility, and thermodynamic stability) indicates that this missense variant is not expected to disrupt KCNV2 protein function with a negative predictive value of 95%. In summary, the available evidence is currently insufficient to determine the role of this variant in disease. Therefore, it has been classified as a Variant of Uncertain Significance.

NM_133497.4(KCNV2):c.1552G>C (p.Val518Leu)

Gene: KCNV2 (potassium voltage-gated channel modifier subfamily V member 2; plus strand). Cytogenetic location: 9p24.2.
Variant type: single nucleotide variant.
Coding change: c.1552G>C on transcript NM_133497.4 (MANE Select); coding-DNA position 1552, G replaced by C.
Protein change: p.Val518Leu; replaces valine 518 with leucine.
Molecular consequence: missense variant.
Genome position (GRCh38, 1-based): chr9:2,729,641, G>C. VCF-style: chr9-2729641-G-C. GRCh37 (hg19) VCF-style: chr9-2729641-G-C.
Other names: short protein forms V518L.
Identifiers: ClinVar variation 2072718 (VCV002072718.4), dbSNP rs2130869457, ClinGen allele CA372803711.
Genomic context (GRCh38, chr9:2,729,641, plus strand): 5'-GATTACTACAGCAAGCTGAAGGCTTATGAGTATACCACCATACGCAGGGAGAGGGGAGAG[G>C]TGAACTTCATGCAGAGAGCCAGAAAGAAGATAGCTGAGTGTTTGCTTGGAAGCAACCCAC-3'
Protein context (NP_598004.1, residues 508-528): YTTIRRERGE[Val518Leu]NFMQRARKKI